The following continues an entry in ClinVar:

NM_000492.4(CFTR):c.3276C>A (p.Tyr1092Ter)

ClinVar aggregate classification (germline): Pathogenic. Pathogenic (1).

Submissions 10 to 26 of 26:

Ambry Genetics
Classification: Pathogenic for Cystic fibrosis. Last evaluated: 2024-06-25. Review status: criteria provided, single submitter. Criteria: Ambry Variant Classification Scheme 2023. Collection method: clinical testing. Allele origin: germline. Not counted in ClinVar's aggregate classification.
Comment: The p.Y1092* pathogenic mutation (also known as c.3276C>A), located in coding exon 20 of the CFTR gene, results from a C to A substitution at nucleotide position 3276. This changes the amino acid from a tyrosine to a stop codon within coding exon 20. This pathogenic mutation was first described in an individual with pancreatic insufficient cystic fibrosis in conjunction with p.F508del (Bozon D et al. Hum. Mutat., 1994;3:330-2). This mutation is associated with elevated sweat chloride levels and pancreatic insufficiency (Sosnay PR et al. Nat. Genet., 2013 Oct;45:1160-7). In addition to the clinical data presented in the literature, this alteration is expected to result in loss of function by premature protein truncation or nonsense-mediated mRNA decay. As such, this alteration is interpreted as a disease-causing mutation.

Fulgent Genetics
Classification: Pathogenic for Hereditary pancreatitis; Bronchiectasis with or without elevated sweat chloride 1; Cystic fibrosis; Congenital bilateral aplasia of vas deferens from CFTR mutation. Last evaluated: 2024-05-21. Review status: criteria provided, single submitter. Criteria: ACMG Guidelines, 2015. Collection method: clinical testing. Allele origin: germline. Not counted in ClinVar's aggregate classification.

Baylor Genetics
Classification: Pathogenic for Bronchiectasis with or without elevated sweat chloride 1. Last evaluated: 2024-01-28. Review status: criteria provided, single submitter. Criteria: ACMG Guidelines, 2015. Collection method: clinical testing. Allele origin: unknown. Not counted in ClinVar's aggregate classification.

ARUP Laboratories, Molecular Genetics and Genomics, ARUP Laboratories
Classification: Pathogenic. Last evaluated: 2023-03-07. Review status: criteria provided, single submitter. Criteria: ARUP Molecular Germline Variant Investigation Process 2024. Collection method: clinical testing. Allele origin: germline. Not counted in ClinVar's aggregate classification.
Comment: The CFTR c.3276C>A; p.Tyr1092Ter variant (rs121908761) has been reported in the medical literature in several individuals with pancreatic insufficient cystic fibrosis (Castellani 2008, De Braekeleer 1998, Sosnay 2013). The variant is reported in ClinVar (Variation ID: 38728) and is reported in the general population with an overall allele frequency of 0.0018% (5/282,504 alleles) in the Genome Aggregation Database. This variant induces an early termination codon and is predicted to result in a truncated protein or mRNA subject to nonsense-mediated decay. Based on available information, this variant is considered to be pathogenic. References: Castellani C et al. Consensus on the Use and Interpretation of Cystic Fibrosis Mutation Analysis in Clinical Practice. J Cyst Fibros. 2008 May;7(3):179-96. PMID: 18456578. De Braekeleer M et al. Phenotypic Variability in Five Cystic Fibrosis Patients Compound Heterozygous for the Y1092X Mutation. Hum Hered. May-Jun 1998;48(3):158-62. PMID: 9618063. Sosnay PR et al. Defining the Disease Liability of Variants in the Cystic Fibrosis Transmembrane Conductance Regulator Gene. Nat Genet. 2013 Oct;45(10):1160-7. PMID: 23974870.

Johns Hopkins Genomics, Johns Hopkins University
Classification: Pathogenic for Cystic fibrosis. Last evaluated: 2021-06-03. Review status: criteria provided, single submitter. Criteria: ACMG Guidelines, 2015. Collection method: clinical testing. Allele origin: germline. Not counted in ClinVar's aggregate classification.

Institute of Medical Genetics and Applied Genomics, University Hospital Tübingen
Classification: Pathogenic. Last evaluated: 2020-10-23. Review status: criteria provided, single submitter. Criteria: ACMG Guidelines, 2015. Collection method: clinical testing. Allele origin: germline. Inheritance: Unknown mechanism. Affected: yes. Not counted in ClinVar's aggregate classification.

Myriad Genetics, Inc.
Classification: Pathogenic for Cystic fibrosis. Last evaluated: 2019-12-09. Review status: criteria provided, single submitter. Criteria: Myriad Women's Health Autosomal Recessive and X-Linked Classification Criteria (2019). Collection method: clinical testing. Allele origin: unknown. Not counted in ClinVar's aggregate classification.
Comment: NM_000492.3(CFTR):c.3276C>A(Y1092*) is classified as pathogenic in the context of cystic fibrosis and is associated with classic disease. Sources cited for classification include the following: PMID 18456578, 1284534 and 23974870. Classification of NM_000492.3(CFTR):c.3276C>A(Y1092*) is based on the following criteria: The variant causes a premature termination codon that is expected to be targeted by nonsense-mediated mRNA decay and is reported in individuals with the relevant phenotype. Please note: this variant was assessed in the context of healthy population screening.

Women's Health and Genetics/Laboratory Corporation of America, LabCorp
Classification: Pathogenic. Last evaluated: 2018-12-13. Review status: criteria provided, single submitter. Criteria: LabCorp Variant Classification Summary - May 2015. Collection method: clinical testing. Allele origin: germline. Not counted in ClinVar's aggregate classification.
Comment: Variant summary: The variant CFTR c.3276C>A (p.Tyr1092X) results in a premature termination codon, predicted to cause a truncation of the encoded protein or absence of the protein due to nonsense mediated decay, which are commonly known mechanisms for disease. The variant allele was found at a frequency of 1.2e-05 in 245972 control chromosomes (gnomAD) and has been reported in the literature in multiple individuals affected with Cystic Fibrosis (Bozon_1994, DeBraekeleer_1998, Sosnay_2013). These data indicate that the variant is very likely to be associated with disease. To our knowledge, no experimental evidence demonstrating an impact on protein function has been reported. Three clinical diagnostic laboratories have submitted clinical-significance assessments for this variant to ClinVar after 2014 without evidence for independent evaluation. All laboratories classified the variant as pathogenic. Based on the evidence outlined above, the variant was classified as pathogenic.

Mendelics
Classification: Pathogenic for Cystic fibrosis. Last evaluated: 2018-11-05. Review status: criteria provided, single submitter. Criteria: Mendelics Assertion Criteria 2017. Collection method: clinical testing. Allele origin: unknown. Affected: yes. Not counted in ClinVar's aggregate classification.

Eurofins Ntd Llc (ga)
Classification: Pathogenic. Last evaluated: 2018-08-14. Review status: criteria provided, single submitter. Criteria: EGL ClinVar v180209 classification definitions. Collection method: clinical testing. Allele origin: germline. Observed: 1 variant allele, 1 heterozygote. Not counted in ClinVar's aggregate classification.

GeneDx
Classification: Pathogenic. Last evaluated: 2018-02-28. Review status: criteria provided, single submitter. Criteria: GeneDx Variant Classification (06012015). Collection method: clinical testing. Allele origin: germline. Affected: yes. Not counted in ClinVar's aggregate classification.
Comment: The Y1092X pathogenic variant in the CFTR gene has been reported previously as a cystic fibrosis-causing variant, accounting for approximately 0.2% of all cystic fibrosis mutant alleles (Tsui, 1992; Sosnay et al., 2013). The Y1092X variant has also been implicated in chronic pancreatitis and pancreatic insufficiency (Ockenga et al., 2000; Ooi and Durie, 2012). This variant is predicted to cause loss of normal protein function either through protein truncation or nonsense-mediated mRNA decay. The Y1092X variant is not observed at any significant frequency in large population cohorts (Lek et al., 2016). We interpret Y1092X as a pathogenic variant.

CFTR-France
Classification: Pathogenic for cystic fibrosis. Last evaluated: 2018-01-29. Review status: criteria provided, single submitter. Criteria: Claustres M et al. (Hum Mutat 2017). Collection method: curation. Allele origin: germline. Affected: yes. Not counted in ClinVar's aggregate classification.

Baylor Genetics
Classification: Pathogenic for Congenital bilateral aplasia of vas deferens from CFTR mutation; Cystic fibrosis. Review status: criteria provided, single submitter. Criteria: ACMG Guidelines, 2015. Collection method: clinical testing. Allele origin: germline. Not counted in ClinVar's aggregate classification.

OMIM
Classification: Pathogenic for CYSTIC FIBROSIS. Last evaluated: 1993-01-01. Review status: no assertion criteria provided. Collection method: literature only. Allele origin: germline. Not counted in ClinVar's aggregate classification.

Clinical Genetics DNA and cytogenetics Diagnostics Lab, Erasmus MC, Erasmus Medical Center
Classification: Pathogenic. Review status: no assertion criteria provided. Collection method: clinical testing. Allele origin: germline. Affected: yes. Study: VKGL Data-share Consensus. Not counted in ClinVar's aggregate classification.

Diagnostic Laboratory, Department of Genetics, University Medical Center Groningen
Classification: Pathogenic. Review status: no assertion criteria provided. Collection method: clinical testing. Allele origin: germline. Affected: yes. Study: VKGL Data-share Consensus. Not counted in ClinVar's aggregate classification.

Joint Genome Diagnostic Labs from Nijmegen and Maastricht, Radboudumc and MUMC+
Classification: Pathogenic. Review status: no assertion criteria provided. Collection method: clinical testing. Allele origin: germline. Affected: yes. Study: VKGL Data-share Consensus. Not counted in ClinVar's aggregate classification.

Literature cited by the submitters: PubMed 1695717 (cited by Labcorp Genetics (formerly Invitae), Labcorp); PubMed 7691345 (cited by Labcorp Genetics (formerly Invitae), Labcorp); PubMed 9725922 (cited by Labcorp Genetics (formerly Invitae), Labcorp); PubMed 10950058 (cited by Labcorp Genetics (formerly Invitae), Labcorp and Quest Diagnostics Nichols Institute San Juan Capistrano); PubMed 12815607 (cited by Labcorp Genetics (formerly Invitae), Labcorp and Quest Diagnostics Nichols Institute San Juan Capistrano); PubMed 15480987 (cited by Labcorp Genetics (formerly Invitae), Labcorp and Quest Diagnostics Nichols Institute San Juan Capistrano); PubMed 18456578 (cited by 3 submitters); PubMed 21416780 (cited by Labcorp Genetics (formerly Invitae), Labcorp); PubMed 23974870 (cited by 5 submitters); PubMed 24586523 (cited by Labcorp Genetics (formerly Invitae), Labcorp and Quest Diagnostics Nichols Institute San Juan Capistrano); PubMed 25910067 (cited by Labcorp Genetics (formerly Invitae), Labcorp); PubMed 28546993 (cited by Natera, Inc.); PubMed 25738998 (cited by Department of Genomics, ADN Uruguay); PubMed 9618063 (cited by Quest Diagnostics Nichols Institute San Juan Capistrano and Women's Health and Genetics/Laboratory Corporation of America, LabCorp); PubMed 7517268 (cited by 3 submitters); PubMed 7504969 (cited by Quest Diagnostics Nichols Institute San Juan Capistrano and OMIM); PubMed 34782259 (cited by Quest Diagnostics Nichols Institute San Juan Capistrano); PubMed 1284534 (cited by Myriad Genetics, Inc.).